The following is an entry in ClinVar:

ClinVar aggregate classification (germline): Likely benign (1 of 4 stars; one submission).

Conditions:
SHANK3-related disorder. Also called: SHANK3-related condition.

Submission:

PreventionGenetics, part of Exact Sciences
Classification: Likely benign for SHANK3-related condition. Last evaluated: 2021-09-27. Review status: criteria provided, single submitter. Criteria: ACMG Guidelines, 2015. Collection method: clinical testing. Allele origin: germline.
Comment: This variant is classified as likely benign based on ACMG/AMP sequence variant interpretation guidelines (Richards et al. 2015 PMID: 25741868, with internal and published modifications).

NM_001372044.2(SHANK3):c.5135C>T (p.Pro1712Leu)

Gene: SHANK3 (SH3 and multiple ankyrin repeat domains 3; plus strand). Cytogenetic location: 22q13.33.
Variant type: single nucleotide variant.
Coding change: c.5135C>T on transcript NM_001372044.2 (MANE Select); coding-DNA position 5135, C replaced by T.
Protein change: p.Pro1712Leu; replaces proline 1712 with leucine.
Molecular consequence: missense variant.
Genome position (GRCh38, 1-based): chr22:50,731,026, C>T. VCF-style: chr22-50731026-C-T. GRCh37 (hg19) VCF-style: chr22-51169454-C-T.
Other names: c.4910C>T, p.Pro1637Leu (NM_033517.1); short protein forms P1637L, P1712L.
Identifiers: ClinVar variation 3047200 (VCV003047200.1), dbSNP rs2518439391, ClinGen allele CA515267249.